The following is an entry in ClinVar:

NM_003998.4(NFKB1):c.1507C>G (p.Leu503Val)

Gene: NFKB1 (nuclear factor kappa B subunit 1; plus strand). Cytogenetic location: 4q24.
Variant type: single nucleotide variant.
Coding change: c.1507C>G on transcript NM_003998.4 (MANE Select); coding-DNA position 1507, C replaced by G.
Protein change: p.Leu503Val; replaces leucine 503 with valine.
Molecular consequence: missense variant.
Genome position (GRCh38, 1-based): chr4:102,597,531, C>G. VCF-style: chr4-102597531-C-G. GRCh37 (hg19) VCF-style: chr4-103518688-C-G.
Other names: c.1504C>G, p.Leu502Val (NM_001165412.2, NM_001319226.2, NM_001382627.1); c.1507C>G, p.Leu503Val (NM_001382625.1, NM_001382626.1); c.1465C>G, p.Leu489Val (NM_001382628.1); short protein forms L489V, L502V, L503V.
Identifiers: ClinVar variation 1524036 (VCV001524036.8), dbSNP rs753960003, ClinGen allele CA3026191.

ClinVar aggregate classification (germline): Uncertain significance (1 of 4 stars; one submission).

gnomAD v4.1: 6 of 1,611,430 alleles (0.00037%); highest among the groups gnomAD compares: Middle Eastern, 0.066%; no homozygotes.

Submission:

Labcorp Genetics (formerly Invitae), Labcorp
Classification: Uncertain significance. Last evaluated: 2024-12-16. Review status: criteria provided, single submitter. Criteria: Invitae Variant Classification Sherloc (09022015). Collection method: clinical testing. Allele origin: germline.
Comment: This sequence change replaces leucine, which is neutral and non-polar, with valine, which is neutral and non-polar, at codon 503 of the NFKB1 protein (p.Leu503Val). This variant is present in population databases (rs753960003, gnomAD 0.0009%). This variant has not been reported in the literature in individuals affected with NFKB1-related conditions. ClinVar contains an entry for this variant (Variation ID: 1524036). Invitae Evidence Modeling of protein sequence and biophysical properties (such as structural, functional, and spatial information, amino acid conservation, physicochemical variation, residue mobility, and thermodynamic stability) indicates that this missense variant is not expected to disrupt NFKB1 protein function with a negative predictive value of 80%. In summary, the available evidence is currently insufficient to determine the role of this variant in disease. Therefore, it has been classified as a Variant of Uncertain Significance.